The following is an entry in ClinVar:

NM_015330.6(SPECC1L):c.551A>C (p.Lys184Thr)

Genes: SPECC1L (sperm antigen with calponin homology and coiled-coil domains 1 like; plus strand), SPECC1L-ADORA2A (SPECC1L-ADORA2A readthrough (NMD candidate); plus strand). Cytogenetic location: 22q11.23.
Variant type: single nucleotide variant.
Coding change: c.551A>C on transcript NM_015330.6 (MANE Select); coding-DNA position 551, A replaced by C.
Protein change: p.Lys184Thr; replaces lysine 184 with threonine.
Molecular consequence: missense variant. On other transcripts: non-coding transcript variant (1).
Genome position (GRCh38, 1-based): chr22:24,321,531, A>C. VCF-style: chr22-24321531-A-C. GRCh37 (hg19) VCF-style: chr22-24717499-A-C.
Other names: c.551A>C, p.Lys184Thr (NM_001145468.4, NM_001254732.3); short protein forms K184T.
Identifiers: ClinVar variation 1700871 (VCV001700871.4), dbSNP rs778445800, ClinGen allele CA410965183.
Genomic context (GRCh38, chr22:24,321,531, plus strand): 5'-TTCGTATGAGCAAGTCTAAGTCAGACAATCAGATCAGTGACAGAGCTGCTTTGGAGGCCA[A>C]AGTGAAGGATCTTCTCACGCTGGCAAAAACCAAAGACGTAGAAATTTTACATTTGAGAAA-3'
Protein context (NP_056145.5, residues 174-194): QISDRAALEA[Lys184Thr]VKDLLTLAKT

ClinVar aggregate classification (germline): Uncertain significance (1 of 4 stars; one submission).

Submission:

GeneDx
Classification: Uncertain significance. Last evaluated: 2026-02-18. Review status: criteria provided, single submitter. Criteria: GeneDx Variant Classification Process June 2021. Collection method: clinical testing. Allele origin: germline. Affected: yes.
Comment: Not observed at significant frequency in large population cohorts (gnomAD); In silico analysis supports that this missense variant has a deleterious effect on protein structure/function; Has not been previously published as pathogenic or benign to our knowledge